The following is an entry in ClinVar:

ClinVar aggregate classification (germline): Uncertain significance (1 of 4 stars; one submission).

Allele frequency attached by ClinVar (database versions not stated): ExAC 0.00001; gnomAD exomes 0.00001; gnomAD 0.00002.
gnomAD v4.1: 26 of 1,613,554 alleles (0.0016%); highest among the groups gnomAD compares: Admixed American, 0.005%; no homozygotes.

Submission:

Labcorp Genetics (formerly Invitae), Labcorp
Classification: Uncertain significance. Last evaluated: 2024-03-13. Review status: criteria provided, single submitter. Criteria: Invitae Variant Classification Sherloc (09022015). Collection method: clinical testing. Allele origin: germline.
Comment: This sequence change affects codon 195 of the TFRC mRNA. It is a 'silent' change, meaning that it does not change the encoded amino acid sequence of the TFRC protein. It affects a nucleotide within the consensus splice site. The frequency data for this variant in the population databases is considered unreliable, as metrics indicate poor data quality at this position in the gnomAD database. This variant has not been reported in the literature in individuals affected with TFRC-related conditions. Algorithms developed to predict the effect of sequence changes on RNA splicing suggest that this variant is not likely to affect RNA splicing. In summary, the available evidence is currently insufficient to determine the role of this variant in disease. Therefore, it has been classified as a Variant of Uncertain Significance.

NM_001128148.3(TFRC):c.585C>T (p.Ser195=)

Gene: TFRC (transferrin receptor; minus strand). Cytogenetic location: 3q29.
Variant type: single nucleotide variant.
Coding change: c.585C>T on transcript NM_001128148.3 (MANE Select); coding-DNA position 585, C replaced by T.
Protein change: p.Ser195=; no amino-acid change (serine 195 retained).
Molecular consequence: synonymous variant. On other transcripts: 5 prime UTR variant (1).
Genome position (GRCh38, 1-based): chr3:196,071,498, G>A on the plus strand (C>T on the coding strand, the complement: TFRC is on the minus strand). VCF-style: chr3-196071498-G-A. GRCh37 (hg19) VCF-style: chr3-195798369-G-A.
Other names: c.342C>T, p.Ser114= (NM_001313965.2); c.-262C>T (NM_001313966.2); c.585C>T, p.Ser195= (NM_003234.4).
Identifiers: ClinVar variation 2884284 (VCV002884284.3), dbSNP rs752438422, ClinGen allele CA2778253.